The following is an entry in ClinVar:

ClinVar aggregate classification (germline): Likely benign (0 of 4 stars; one submission).

Conditions:
CRISPLD2-related disorder. Also called: CRISPLD2-related condition.

Allele frequency attached by ClinVar (database versions not stated): gnomAD exomes 0.00001; gnomAD 0.00023; TOPMed 0.00049; 1000 Genomes Project 30x 0.00078; 1000 Genomes Project 0.00080.
gnomAD v4.1: 67 of 1,614,058 alleles (0.0042%); highest among the groups gnomAD compares: Admixed American, 0.077%; no homozygotes.

Submission:

PreventionGenetics, part of Exact Sciences
Classification: Likely benign for CRISPLD2-related condition. Last evaluated: 2022-08-21. Review status: no assertion criteria provided. Collection method: clinical testing. Allele origin: germline.
Comment: This variant is classified as likely benign based on ACMG/AMP sequence variant interpretation guidelines (Richards et al. 2015 PMID: 25741868, with internal and published modifications).

NM_031476.4(CRISPLD2):c.306G>A (p.Gly102=)

Gene: CRISPLD2 (cysteine rich secretory protein LCCL domain containing 2; plus strand). Cytogenetic location: 16q24.1.
Variant type: single nucleotide variant.
Coding change: c.306G>A on transcript NM_031476.4 (MANE Select); coding-DNA position 306, G replaced by A.
Protein change: p.Gly102=; no amino-acid change (glycine 102 retained).
Molecular consequence: synonymous variant.
Genome position (GRCh38, 1-based): chr16:84,845,851, G>A. VCF-style: chr16-84845851-G-A. GRCh37 (hg19) VCF-style: chr16-84879457-G-A.
Identifiers: ClinVar variation 3048863 (VCV003048863.2), dbSNP rs184717285, ClinGen allele CA285579574.